The following is an entry in ClinVar:

NM_000344.4(SMN1):c.278A>C (p.Lys93Thr)

Gene: SMN1 (survival of motor neuron 1, telomeric). Cytogenetic location: 5q13.2.
Variant type: single nucleotide variant.
Coding change: c.278A>C on transcript NM_000344.4 (MANE Select); coding-DNA position 278, A replaced by C.
Protein change: p.Lys93Thr; replaces lysine 93 with threonine.
Molecular consequence: missense variant.
Genome position (GRCh38, 1-based): chr5:70,942,362, A>C. VCF-style: chr5-70942362-A-C. GRCh37 (hg19) VCF-style: chr5-70238189-A-C.
Other names: c.278A>C, p.Lys93Thr (NM_001297715.1, NM_022874.2); short protein forms K93T.
Identifiers: ClinVar variation 638580 (VCV000638580.3), dbSNP rs1580886828, ClinGen allele CA360093290.

ClinVar aggregate classification (germline): Uncertain significance (1 of 4 stars; one submission).

Conditions:
Kugelberg-Welander disease (SMA3). Also called: SPINAL MUSCULAR ATROPHY, TYPE III; Juvenile Spinal Muscular Atrophy; SMA III; SPINAL MUSCULAR ATROPHY, MILD CHILDHOOD AND ADOLESCENT FORM; KUGELBERG-WELANDER SYNDROME; MUSCULAR ATROPHY, JUVENILE. Identifiers: Orphanet 70, Orphanet 83419, MedGen C0152109, MONDO:0009672, OMIM 253400.

Submission:

Undiagnosed Diseases Network, NIH
Classification: Uncertain significance for Kugelberg-Welander disease. Last evaluated: 2019-04-03. Review status: criteria provided, single submitter. Criteria: ACMG Guidelines, 2015. Collection method: clinical testing. Allele origin: maternal. Inheritance: Autosomal recessive inheritance. Affected: yes. Observed: 1 variant allele, 1 heterozygote. Study: Undiagnosed Diseases Network (NIH), UDN.